The following is an entry in ClinVar:

NM_017780.4(CHD7):c.2186A>G (p.Lys729Arg)

Gene: CHD7 (chromodomain helicase DNA binding protein 7; plus strand). Cytogenetic location: 8q12.2.
Variant type: single nucleotide variant.
Coding change: c.2186A>G on transcript NM_017780.4 (MANE Select); coding-DNA position 2186, A replaced by G.
Protein change: p.Lys729Arg; replaces lysine 729 with arginine.
Molecular consequence: missense variant. On other transcripts: intron variant (1).
Genome position (GRCh38, 1-based): chr8:60,795,075, A>G. VCF-style: chr8-60795075-A-G. GRCh37 (hg19) VCF-style: chr8-61707634-A-G.
Other names: c.1716+14025A>G (NM_001316690.1); short protein forms K729R.
Identifiers: ClinVar variation 3712494 (VCV003712494.2).

ClinVar aggregate classification (germline): Uncertain significance (1 of 4 stars; one submission).

Conditions:
CHARGE syndrome (CHARGE). Also called: Hittner Hirsch Kreh syndrome; CHARGE ASSOCIATION--COLOBOMA, HEART ANOMALY, CHOANAL ATRESIA, RETARDATION, GENITAL AND EAR ANOMALIES; Coloboma, heart anomaly, choanal atresia, retardation, genital and ear anomalies; CHARGE association; Hall-Hittner syndrome. Identifiers: Orphanet 138, MedGen C0265354, MONDO:0008965.

Submission:

Labcorp Genetics (formerly Invitae), Labcorp
Classification: Uncertain significance for CHARGE syndrome. Last evaluated: 2025-12-25. Review status: criteria provided, single submitter. Criteria: Invitae Variant Classification Sherloc (09022015). Collection method: clinical testing. Allele origin: germline.
Comment: This sequence change replaces lysine, which is basic and polar, with arginine, which is basic and polar, at codon 729 of the CHD7 protein (p.Lys729Arg). This variant is not present in population databases (gnomAD no frequency). This variant has not been reported in the literature in individuals affected with CHD7-related conditions. ClinVar contains an entry for this variant (Variation ID: 3712494). Invitae Evidence Modeling of protein sequence and biophysical properties (such as structural, functional, and spatial information, amino acid conservation, physicochemical variation, residue mobility, and thermodynamic stability) indicates that this missense variant is not expected to disrupt CHD7 protein function with a negative predictive value of 95%. In summary, the available evidence is currently insufficient to determine the role of this variant in disease. Therefore, it has been classified as a Variant of Uncertain Significance.